The following is an entry in ClinVar:

ClinVar aggregate classification (germline): Uncertain significance (1 of 4 stars; one submission).

Submission:

Labcorp Genetics (formerly Invitae), Labcorp
Classification: Uncertain significance. Last evaluated: 2023-04-06. Review status: criteria provided, single submitter. Criteria: Invitae Variant Classification Sherloc (09022015). Collection method: clinical testing. Allele origin: germline.
Comment: This sequence change replaces methionine, which is neutral and non-polar, with isoleucine, which is neutral and non-polar, at codon 300 of the TUBB2A protein (p.Met300Ile). This variant is not present in population databases (gnomAD no frequency). This variant has not been reported in the literature in individuals affected with TUBB2A-related conditions. Advanced modeling of protein sequence and biophysical properties (such as structural, functional, and spatial information, amino acid conservation, physicochemical variation, residue mobility, and thermodynamic stability) has been performed at Invitae for this missense variant, however the output from this modeling did not meet the statistical confidence thresholds required to predict the impact of this variant on TUBB2A protein function. In summary, the available evidence is currently insufficient to determine the role of this variant in disease. Therefore, it has been classified as a Variant of Uncertain Significance.

NM_001069.3(TUBB2A):c.900G>A (p.Met300Ile)

Gene: TUBB2A (tubulin beta 2A class IIa; minus strand). Cytogenetic location: 6p25.2.
Variant type: single nucleotide variant.
Coding change: c.900G>A on transcript NM_001069.3 (MANE Select); coding-DNA position 900, G replaced by A.
Protein change: p.Met300Ile; replaces methionine 300 with isoleucine.
Molecular consequence: missense variant.
Genome position (GRCh38, 1-based): chr6:3,154,301, C>T on the plus strand (G>A on the coding strand, the complement: TUBB2A is on the minus strand). VCF-style: chr6-3154301-C-T. GRCh37 (hg19) VCF-style: chr6-3154535-C-T.
Other names: c.645G>A, p.Met215Ile (NM_001310315.2); short protein forms M215I, M300I.
Identifiers: ClinVar variation 2849892 (VCV002849892.3), dbSNP rs2533524172, ClinGen allele CA362591704.
Genomic context (GRCh38, chr6:3,154,301, plus strand): 5'-GCGGCCCCGGAAGATGGCAGCCACCGTCAGGTAGCGGCCGTGGCGCGGGTCGCAGGCGGC[C>T]ATCATGTTCTTGGAGTCGAACATCTGCTGGGTGAGCTCGGGCACCGTGAGCGCCCGGTAC-3'
Protein context (NP_001060.1, residues 290-310): TQQMFDSKNM[Met300Ile]AACDPRHGRY